The following is an entry in ClinVar:

NM_006270.5(RRAS):c.253G>A (p.Ala85Thr)

Gene: RRAS (RAS related; minus strand). Cytogenetic location: 19q13.33.
Variant type: single nucleotide variant.
Coding change: c.253G>A on transcript NM_006270.5 (MANE Select); coding-DNA position 253, G replaced by A.
Protein change: p.Ala85Thr; replaces alanine 85 with threonine.
Molecular consequence: missense variant.
Genome position (GRCh38, 1-based): chr19:49,636,915, C>T on the plus strand (G>A on the coding strand, the complement: RRAS is on the minus strand). VCF-style: chr19-49636915-C-T. GRCh37 (hg19) VCF-style: chr19-50140172-C-T.
Other names: short protein forms A85T.
Identifiers: ClinVar variation 2911366 (VCV002911366.3), dbSNP rs774218911, ClinGen allele CA9579087.
Genomic context (GRCh38, chr19:49,636,915, plus strand): 5'-GGAAGCCGTGGCCAGCACGCATGTACTGCTCTCTCATGGCCCCGAACTCTTCCTGGCCCG[C>T]GGTGTCCAGGACTGCAGAGACAGGGAGAGGGGCCATCGTGGGGACCAGGCTCCCCGCAGT-3'
Protein context (NP_006261.1, residues 75-95): IPARLDILDT[Ala85Thr]GQEEFGAMRE

ClinVar aggregate classification (germline): Uncertain significance (1 of 4 stars; one submission).

Conditions:
Noonan syndrome (NS). Also called: Noonan's syndrome. Identifiers: Orphanet 648, MedGen C0028326, MeSH D009634, MONDO:0018997. Disease mechanism: gain of function.

Allele frequency attached by ClinVar (database versions not stated): gnomAD exomes below 0.00001; ExAC 0.00001; gnomAD 0.00001.
gnomAD v4.1: 6 of 1,613,256 alleles (0.00037%); highest among the groups gnomAD compares: Admixed American, 0.0017%; no homozygotes.

Submission:

Labcorp Genetics (formerly Invitae), Labcorp
Classification: Uncertain significance for Noonan syndrome. Last evaluated: 2026-01-20. Review status: criteria provided, single submitter. Criteria: Invitae Variant Classification Sherloc (09022015). Collection method: clinical testing. Allele origin: germline.
Comment: This sequence change replaces alanine, which is neutral and non-polar, with threonine, which is neutral and polar, at codon 85 of the RRAS protein (p.Ala85Thr). The frequency data for this variant in the population databases is considered unreliable, as metrics indicate poor data quality at this position in the gnomAD database. This variant has not been reported in the literature in individuals affected with RRAS-related conditions. ClinVar contains an entry for this variant (Variation ID: 2911366). An algorithm developed to predict the effect of missense changes on protein structure and function (PolyPhen-2) suggests that this variant is likely to be tolerated. In summary, the available evidence is currently insufficient to determine the role of this variant in disease. Therefore, it has been classified as a Variant of Uncertain Significance.